The following is an entry in ClinVar:

ClinVar aggregate classification (germline): Uncertain significance (1 of 4 stars; one submission).

Conditions:
POLD1-related polyposis and colorectal cancer syndrome (CRCS10). Also called: COLORECTAL CANCER, SUSCEPTIBILITY TO, ON CHROMOSOME 19q; Colorectal cancer 10; Colorectal cancer, susceptibility to, 10. Identifiers: Orphanet 220460, MedGen C2675481, MONDO:0012953, OMIM 612591.

Submission:

Labcorp Genetics (formerly Invitae), Labcorp
Classification: Uncertain significance for POLD1-related polyposis and colorectal cancer syndrome. Last evaluated: 2022-08-05. Review status: criteria provided, single submitter. Criteria: Invitae Variant Classification Sherloc (09022015). Collection method: clinical testing. Allele origin: germline.
Comment: This variant has not been reported in the literature in individuals affected with POLD1-related conditions. This variant is not present in population databases (gnomAD no frequency). This sequence change replaces serine, which is neutral and polar, with cysteine, which is neutral and slightly polar, at codon 816 of the POLD1 protein (p.Ser816Cys). Algorithms developed to predict the effect of missense changes on protein structure and function are either unavailable or do not agree on the potential impact of this missense change (SIFT: "Deleterious"; PolyPhen-2: "Possibly Damaging"; Align-GVGD: "Class C0"). In summary, the available evidence is currently insufficient to determine the role of this variant in disease. Therefore, it has been classified as a Variant of Uncertain Significance.

NM_002691.4(POLD1):c.2447C>G (p.Ser816Cys)

Gene: POLD1 (DNA polymerase delta 1, catalytic subunit; plus strand). Cytogenetic location: 19q13.33.
Variant type: single nucleotide variant.
Coding change: c.2447C>G on transcript NM_002691.4 (MANE Select); coding-DNA position 2447, C replaced by G.
Protein change: p.Ser816Cys; replaces serine 816 with cysteine.
Molecular consequence: missense variant. On other transcripts: non-coding transcript variant (1).
Genome position (GRCh38, 1-based): chr19:50,414,873, C>G. VCF-style: chr19-50414873-C-G. GRCh37 (hg19) VCF-style: chr19-50918130-C-G.
Other names: c.2447C>G, p.Ser816Cys (NM_001256849.1); c.2525C>G, p.Ser842Cys (NM_001308632.1); short protein forms S816C, S842C.
Identifiers: ClinVar variation 1715104 (VCV001715104.5), dbSNP rs1555792834, ClinGen allele CA406984755.